The following is an entry in ClinVar:

NM_000053.4(ATP7B):c.2200G>T (p.Val734Phe)

Gene: ATP7B (ATPase copper transporting beta; minus strand). Cytogenetic location: 13q14.3.
Variant type: single nucleotide variant.
Coding change: c.2200G>T on transcript NM_000053.4 (MANE Select); coding-DNA position 2200, G replaced by T.
Protein change: p.Val734Phe; replaces valine 734 with phenylalanine.
Molecular consequence: missense variant. On other transcripts: intron variant (20).
Genome position (GRCh38, 1-based): chr13:51,958,466, C>A on the plus strand (G>T on the coding strand, the complement: ATP7B is on the minus strand). VCF-style: chr13-51958466-C-A. GRCh37 (hg19) VCF-style: chr13-52532602-C-A.
Other names: c.1867G>T, p.Val623Phe (NM_001243182.2); c.1948G>T, p.Val650Phe (NM_001330579.2, NM_001406540.1, NM_001406531.1 and 1 more transcripts); c.2200G>T, p.Val734Phe (NM_001406511.1, NM_001406512.1, NM_001406513.1 and 7 more transcripts); c.2167G>T, p.Val723Phe (NM_001406514.1); c.1852G>T, p.Val618Phe (NM_001406543.1); c.1870-859G>T (NM_001406541.1, NM_001005918.3, NM_001406546.1 and 1 more transcripts); c.2122-859G>T (NM_001406527.1, NM_001406528.1, NM_001406534.1 and 2 more transcripts); c.2122-66G>T (NM_001406537.1, NM_001406521.1, NM_001406522.1 and 1 more transcripts); and 8 more; short protein forms V591F, V618F, V623F, V650F, V702F, V723F, V734F.
Identifiers: ClinVar variation 4815126 (VCV004815126.1).
Genomic context (GRCh38, chr13:51,958,466, plus strand): 5'-CAGCCACAGCAACCACCAGGATGACCAGAGAATAAACATAAGCAATGCTTGTGGCCAGGA[C>A]GATGAGCACGTCCATGTTGGCTGACCTGTGTCTCAGAGATTTGTAGGCCTGAACGTAGAA-3'
Protein context (NP_000044.2, residues 724-744): HRSANMDVLI[Val734Phe]LATSIAYVYS

ClinVar aggregate classification (germline): Likely pathogenic (1 of 4 stars; one submission).

Conditions:
Wilson disease (WND). Also called: Wilson's disease. Identifiers: Orphanet 905, MedGen C0019202, MONDO:0010200, OMIM 277900. Disease mechanism: loss of function.

Submission:

Natera, Inc.
Classification: Likely pathogenic for Wilson disease. Last evaluated: 2026-01-21. Review status: criteria provided, single submitter. Criteria: Natera Variant Classification Schema (03/2026). Collection method: clinical testing. Allele origin: germline.
Comment: The c.2200G>T variant in ATP7B is a missense variant predicted to cause substitution of valine to phenylalanine at amino acid 734. This variant is rare in the general population with a frequency below the threshold expected for the associated phenotype(s). This variant has been observed in one or more individuals affected with the associated recessive disease, as either homozygous or compound heterozygous with a second variant (PMID: 24726229, 23518715). This variant has been identified in one or more affected individual with a phenotype highly consistent with the associated gene (PMID: 24726229). Computational prediction algorithms indicate this variant is likely to affect gene or protein function. Given the available evidence, this variant is classified as Likely Pathogenic.

Literature cited by the submitters: PubMed 24726229; PubMed 23518715.